The following is an entry in ClinVar:

ClinVar aggregate classification (germline): Likely pathogenic (1 of 4 stars; one submission).

Conditions:
Hereditary cancer-predisposing syndrome. Also called: Neoplastic Syndromes, Hereditary; Tumor predisposition; Hereditary Cancer Syndrome; Hereditary neoplastic syndrome. Identifiers: Orphanet 140162, MedGen C0027672, MeSH D009386, MONDO:0015356.

Submission:

Ambry Genetics
Classification: Likely pathogenic for Hereditary cancer-predisposing syndrome. Last evaluated: 2021-03-09. Review status: criteria provided, single submitter. Criteria: Ambry Variant Classification Scheme 2023. Collection method: clinical testing. Allele origin: germline.
Comment: The c.903+2T>A intronic variant results from a T to A substitution two nucleotides after coding exon 8 in the PMS2 gene. This nucleotide position is highly conserved in available vertebrate species. In silico splice site analysis predicts that this alteration will weaken the native splice donor site. Alterations that disrupt the canonical splice site are expected to cause aberrant splicing, resulting in an abnormal protein or a transcript that is subject to nonsense-mediated mRNA decay. As such, this alteration is classified as likely pathogenic.

NM_000535.7(PMS2):c.903+2T>A

Gene: PMS2 (PMS1 homolog 2, mismatch repair system component; minus strand). Cytogenetic location: 7p22.1.
Variant type: single nucleotide variant.
Coding change: c.903+2T>A on transcript NM_000535.7 (MANE Select); the canonical splice donor site of the intron after coding-DNA position 903, T replaced by A.
Molecular consequence: splice donor variant. On other transcripts: intron variant (4).
Genome position (GRCh38, 1-based): chr7:5,995,532, A>T on the plus strand (T>A on the coding strand, the complement: PMS2 is on the minus strand). VCF-style: chr7-5995532-A-T. GRCh37 (hg19) VCF-style: chr7-6035163-A-T.
Other names: c.133-3475T>A (NM_001406911.1); c.585+2T>A (NM_001322008.2, NM_001406902.1, NM_001406883.1 and 4 more transcripts); c.594+2T>A (NM_001406881.1, NM_001406879.1, NM_001322015.2 and 6 more transcripts); c.498+2T>A (NM_001406895.1, NM_001322010.2, NM_001322004.2 and 19 more transcripts); c.390+2T>A (NM_001406904.1, NM_001406905.1); c.330+2T>A (NM_001322013.2, NM_001406909.1); c.-31+2T>A (NM_001322012.2, NM_001322011.2); c.567+2T>A (NM_001406885.1); and 8 more.
Identifiers: ClinVar variation 1765539 (VCV001765539.2), dbSNP rs878854059, ClinGen allele CA366743393.